The following is an entry in ClinVar:

NM_018646.6(TRPV6):c.2215C>T (p.Arg739Trp)

Gene: TRPV6 (transient receptor potential cation channel subfamily V member 6; minus strand). Cytogenetic location: 7q34.
Variant type: single nucleotide variant.
Coding change: c.2215C>T on transcript NM_018646.6 (MANE Select); coding-DNA position 2215, C replaced by T.
Protein change: p.Arg739Trp; replaces arginine 739 with tryptophan.
Molecular consequence: missense variant.
Genome position (GRCh38, 1-based): chr7:142,871,790, G>A on the plus strand (C>T on the coding strand, the complement: TRPV6 is on the minus strand). VCF-style: chr7-142871790-G-A. GRCh37 (hg19) VCF-style: chr7-142569543-G-A.
Other names: short protein forms R739W.
Identifiers: ClinVar variation 3974475 (VCV003974475.2).

ClinVar aggregate classification (germline): Uncertain significance. Review status: criteria provided, multiple submitters, no conflicts (2 of 4 stars). 2 submissions from 2 submitters: Uncertain significance (2). Last evaluated 2025-09-02.

Conditions:
Inborn genetic diseases. Identifiers: MedGen C0950123, MeSH D030342.

gnomAD v4.1: 60 of 1,614,040 alleles (0.0037%); highest among the groups gnomAD compares: Admixed American, 0.022%; no homozygotes.

Submissions (2):

Labcorp Genetics (formerly Invitae), Labcorp
Classification: Uncertain significance. Last evaluated: 2025-09-02. Review status: criteria provided, single submitter. Criteria: Invitae Variant Classification Sherloc (09022015). Collection method: clinical testing. Allele origin: germline.
Comment: This sequence change replaces arginine, which is basic and polar, with tryptophan, which is neutral and slightly polar, at codon 739 of the TRPV6 protein (p.Arg739Trp). This variant is present in population databases (rs752667387, gnomAD 0.03%). This variant has not been reported in the literature in individuals affected with TRPV6-related conditions. ClinVar contains an entry for this variant (Variation ID: 3974475). Experimental studies and prediction algorithms are not available or were not evaluated, and the functional significance of this variant is currently unknown. In summary, the available evidence is currently insufficient to determine the role of this variant in disease. Therefore, it has been classified as a Variant of Uncertain Significance.

Ambry Genetics
Classification: Uncertain significance for Inborn genetic diseases. Last evaluated: 2025-04-28. Review status: criteria provided, single submitter. Criteria: Ambry Variant Classification Scheme 2023. Collection method: clinical testing. Allele origin: germline.